The following is an entry in ClinVar:

NM_001690.4(ATP6V1A):c.1470A>G (p.Ala490=)

Gene: ATP6V1A (ATPase H+ transporting V1 subunit A; plus strand). Cytogenetic location: 3q13.31.
Variant type: single nucleotide variant.
Coding change: c.1470A>G on transcript NM_001690.4 (MANE Select); coding-DNA position 1470, A replaced by G.
Protein change: p.Ala490=; no amino-acid change (alanine 490 retained).
Molecular consequence: synonymous variant.
Genome position (GRCh38, 1-based): chr3:113,798,422, A>G. VCF-style: chr3-113798422-A-G. GRCh37 (hg19) VCF-style: chr3-113517269-A-G.
Identifiers: ClinVar variation 720031 (VCV000720031.34), dbSNP rs112729133, ClinGen allele CA2548058.

ClinVar aggregate classification (germline): Benign/Likely benign. Review status: criteria provided, multiple submitters, no conflicts (2 of 4 stars). 5 submissions from 5 submitters: Benign (2); Likely benign (2). 1 of the submissions does not count toward it. Last evaluated 2026-08-01.

Conditions:
ATP6V1A-related disorder. Also called: ATP6V1A-related condition.

Allele frequency attached by ClinVar (database versions not stated): gnomAD exomes 0.00031 and 0.00084; ESP Exome Variant Server 0.00431; ExAC 0.00108; 1000 Genomes Project 30x 0.00297; 1000 Genomes Project 0.00300; gnomAD 0.00357 and 0.00391; TOPMed 0.00379.
gnomAD v4.1: 1,031 of 1,613,912 alleles (0.064%); highest among the groups gnomAD compares: African/African-American, 1.2%; 4 homozygotes.

Submissions (5):

CeGaT Center for Human Genetics Tuebingen
Classification: Likely benign. Last evaluated: 2026-08-01. Review status: criteria provided, single submitter. Criteria: CeGaT Center For Human Genetics Tuebingen Variant Classification Criteria Version 2. Collection method: clinical testing. Allele origin: germline. Affected: yes. Observed: 4 variant alleles.
Comment: ATP6V1A: BP4, BP7, BS1

Labcorp Genetics (formerly Invitae), Labcorp
Classification: Benign. Last evaluated: 2026-01-24. Review status: criteria provided, single submitter. Criteria: Invitae Variant Classification Sherloc (09022015). Collection method: clinical testing. Allele origin: germline.

Blueprint Genetics
Classification: Likely benign. Last evaluated: 2024-11-25. Review status: criteria provided, single submitter. Criteria: ACMG Guidelines, 2015. Collection method: clinical testing. Allele origin: germline.

Breakthrough Genomics
Classification: Benign. Review status: criteria provided, single submitter. Criteria: ACMG Guidelines, 2015. Collection method: not provided. Allele origin: germline. Inheritance: Autosomal recessive inheritance. Affected: yes.

PreventionGenetics, part of Exact Sciences
Classification: Benign for ATP6V1A-related condition. Last evaluated: 2019-08-03. Review status: no assertion criteria provided. Collection method: clinical testing. Allele origin: germline. Not counted in ClinVar's aggregate classification.
Comment: This variant is classified as benign based on ACMG/AMP sequence variant interpretation guidelines (Richards et al. 2015 PMID: 25741868, with internal and published modifications).